The following is an entry in ClinVar:

NM_001267550.2(TTN):c.86983G>A (p.Ala28995Thr)

Genes: TTN-AS1 (TTN antisense RNA 1; plus strand), TTN (titin; minus strand). Cytogenetic location: 2q31.2.
Variant type: single nucleotide variant.
Coding change: c.86983G>A on transcript NM_001267550.2 (MANE Select); coding-DNA position 86983, G replaced by A.
Protein change: p.Ala28995Thr; replaces alanine 28995 with threonine.
Molecular consequence: missense variant.
Genome position (GRCh38, 1-based): chr2:178,558,476, C>T on the plus strand (G>A on the coding strand, the complement: TTN is on the minus strand). VCF-style: chr2-178558476-C-T. GRCh37 (hg19) VCF-style: chr2-179423203-C-T.
Other names: c.82060G>A, p.Ala27354Thr (NM_001256850.1); c.59788G>A, p.Ala19930Thr (NM_003319.4); c.79279G>A, p.Ala26427Thr (NM_133378.4); c.60163G>A, p.Ala20055Thr (NM_133432.3); c.60364G>A, p.Ala20122Thr (NM_133437.4); short protein forms A28995T, A26427T, A27354T, A20122T, A19930T, A20055T.
Identifiers: ClinVar variation 332742 (VCV000332742.45), dbSNP rs774191975, ClinGen allele CA1988398.

ClinVar aggregate classification (germline): Conflicting classifications of pathogenicity. Review status: criteria provided, conflicting classifications (1 of 4 stars). 12 submissions from 8 submitters: Uncertain significance (7); Likely benign (3). 2 of the submissions do not count toward it. Last evaluated 2026-09-01.

Conditions:
Early-onset myopathy with fatal cardiomyopathy (CMYO5). Also called: Salih Myopathy; CONGENITAL MYOPATHY 5 WITH CARDIOMYOPATHY. Identifiers: Orphanet 289377, MedGen C2673677, MONDO:0012714, OMIM 611705. Disease mechanism: loss of function.
Myopathy, myofibrillar, 9, with early respiratory failure (MFM9). Also called: Hereditary myopathy with early respiratory failure; Myopathy, distal, with early respiratory failure, autosomal dominant; MYOPATHY, PROXIMAL, WITH EARLY RESPIRATORY MUSCLE INVOLVEMENT; EDSTROM MYOPATHY. Identifiers: Orphanet 178464, Orphanet 34521, MedGen C1863599, MONDO:0011362, OMIM 603689.
TTN-related disorder. Also called: TTN-related condition; TTN-related disease; TTN-related disorders.
Autosomal recessive limb-girdle muscular dystrophy type 2J (LGMDR10). Also called: Limb-girdle muscular dystrophy, type 2J; MUSCULAR DYSTROPHY, LIMB-GIRDLE, AUTOSOMAL RECESSIVE 10. Identifiers: Orphanet 140922, MedGen C1837342, MONDO:0012127, OMIM 608807.
Tibial muscular dystrophy (TMD). Also called: Tibial muscular dystrophy, tardive; Udd Distal Myopathy – Tibial Muscular Dystrophy; UDD MYOPATHY. Identifiers: Orphanet 609, MedGen C1838244, MONDO:0010870, OMIM 600334.
Dilated cardiomyopathy 1G (CMD1G). Identifiers: Orphanet 154, MedGen C1858763, MONDO:0011400, OMIM 604145.

Allele frequency attached by ClinVar (database versions not stated): TOPMed 0.00003; gnomAD 0.00005; gnomAD exomes 0.00005 and 0.00006; ExAC 0.00006.
gnomAD v4.1: 100 of 1,613,708 alleles (0.0062%); highest among the groups gnomAD compares: Non-Finnish European, 0.0075%; no homozygotes.

Submissions (12):

CeGaT Center for Human Genetics Tuebingen
Classification: Uncertain significance. Last evaluated: 2026-09-01. Review status: criteria provided, single submitter. Criteria: CeGaT Center For Human Genetics Tuebingen Variant Classification Criteria Version 2. Collection method: clinical testing. Allele origin: germline. Affected: yes. Observed: 2 variant alleles.
Comment: TTN: PM2:Supporting, BP4

PreventionGenetics, part of Exact Sciences
Classification: Uncertain significance for TTN-related condition. Last evaluated: 2026-05-27. Review status: criteria provided, single submitter. Criteria: ACMG Guidelines, 2015. Collection method: clinical testing. Allele origin: germline.
Comment: The TTN c.86983G>A variant is predicted to result in the amino acid substitution p.Ala28995Thr. This variant has been reported in a cohort study of individuals with dilated cardiomyopathy (Table S3, Mazzarotto et al. 2020. PubMed ID: 31983221). This variant is reported in 0.012% of alleles in individuals of European (Non-Finnish) descent in gnomAD. At this time, the clinical significance of this variant is uncertain due to the absence of conclusive functional and genetic evidence.

Revvity Omics, Revvity
Classification: Uncertain significance. Last evaluated: 2024-09-09. Review status: criteria provided, single submitter. Criteria: ACMG Guidelines, 2015. Collection method: clinical testing. Allele origin: germline.

Blueprint Genetics
Classification: Likely benign. Last evaluated: 2024-06-27. Review status: criteria provided, single submitter. Criteria: ACMG Guidelines, 2015. Collection method: clinical testing. Allele origin: germline.

Illumina Laboratory Services, Illumina
Classification: Uncertain significance for Dilated cardiomyopathy 1G. Last evaluated: 2018-01-12. Review status: criteria provided, single submitter. Criteria: ICSL Variant Classification Criteria 13 December 2019. Collection method: clinical testing. Allele origin: germline.

Illumina Laboratory Services, Illumina
Classification: Likely benign for Myopathy, myofibrillar, 9, with early respiratory failure. Last evaluated: 2018-01-12. Review status: criteria provided, single submitter. Criteria: ICSL Variant Classification Criteria 13 December 2019. Collection method: clinical testing. Allele origin: germline.
Comment: This variant was observed in the ICSL laboratory as part of a predisposition screen in an ostensibly healthy population. It had not been previously curated by ICSL or reported in the Human Gene Mutation Database (HGMD: prior to June 1st, 2018), and was therefore a candidate for classification through an automated scoring system. Utilizing variant allele frequency, disease prevalence and penetrance estimates, and inheritance mode, an automated score was calculated to assess if this variant is too frequent to cause the disease. Based on the score and internal cut-off values, a variant classified as likely benign is not then subjected to further curation. The score for this variant resulted in a classification of likely benign for this disease.

Illumina Laboratory Services, Illumina
Classification: Uncertain significance for Autosomal recessive limb-girdle muscular dystrophy type 2J. Last evaluated: 2018-01-12. Review status: criteria provided, single submitter. Criteria: ICSL Variant Classification Criteria 13 December 2019. Collection method: clinical testing. Allele origin: germline.

Illumina Laboratory Services, Illumina
Classification: Uncertain significance for Early-onset myopathy with fatal cardiomyopathy. Last evaluated: 2018-01-12. Review status: criteria provided, single submitter. Criteria: ICSL Variant Classification Criteria 13 December 2019. Collection method: clinical testing. Allele origin: germline.

Illumina Laboratory Services, Illumina
Classification: Likely benign for Tibial muscular dystrophy. Last evaluated: 2018-01-12. Review status: criteria provided, single submitter. Criteria: ICSL Variant Classification Criteria 13 December 2019. Collection method: clinical testing. Allele origin: germline.
Comment: the same text as in the submission from Illumina Laboratory Services, Illumina above.

Labcorp Genetics (formerly Invitae), Labcorp
Classification: Uncertain significance for Dilated cardiomyopathy 1G; Autosomal recessive limb-girdle muscular dystrophy type 2J. Last evaluated: 2016-08-08. Review status: criteria provided, single submitter. Criteria: Invitae Variant Classification Sherloc (09022015). Collection method: clinical testing. Allele origin: germline.

Clinical Genetics DNA and cytogenetics Diagnostics Lab, Erasmus MC, Erasmus Medical Center
Classification: Uncertain significance. Review status: no assertion criteria provided. Collection method: clinical testing. Allele origin: germline. Affected: yes. Study: VKGL Data-share Consensus. Not counted in ClinVar's aggregate classification.

Clinical Genetics, Academic Medical Center
Classification: Uncertain significance. Review status: no assertion criteria provided. Collection method: clinical testing. Allele origin: germline. Affected: yes. Study: VKGL Data-share Consensus. Not counted in ClinVar's aggregate classification.